The following is an entry in ClinVar:

ClinVar aggregate classification (germline): Pathogenic/Likely pathogenic. Review status: criteria provided, multiple submitters, no conflicts (2 of 4 stars). 5 submissions from 5 submitters: Pathogenic (2); Likely pathogenic (1). 2 of the submissions do not count toward it. Last evaluated 2022-06-29.

Conditions:
IPO8 related Connective tissue disorder.
VISS syndrome. Also called: VASCULAR ANEURYSM, IMMUNE DYSREGULATION, SKELETAL ANOMALIES, AND SKIN AND JOINT LAXITY. Identifiers: MedGen C5561955, MONDO:0859177, OMIM 619472.
IPO8-related aortopathy.

Allele frequency attached by ClinVar (database versions not stated): gnomAD exomes below 0.00001; TOPMed below 0.00001.
gnomAD v4.1: 1 of 1,608,104 alleles (0.000062%); highest among the groups gnomAD compares: Non-Finnish European, 0.000085%; no homozygotes.

Submissions (5):

Labcorp Genetics (formerly Invitae), Labcorp
Classification: Pathogenic. Last evaluated: 2022-06-29. Review status: criteria provided, single submitter. Criteria: Invitae Variant Classification Sherloc (09022015). Collection method: clinical testing. Allele origin: germline.
Comment: This sequence change affects an acceptor splice site in intron 23 of the IPO8 gene. It is expected to disrupt RNA splicing. Variants that disrupt the donor or acceptor splice site typically lead to a loss of protein function (PMID: 16199547), and loss-of-function variants in IPO8 are known to be pathogenic (PMID: 33875846). This variant is not present in population databases (gnomAD no frequency). Disruption of this splice site has been observed in individual(s) with clinical features of IPO8-related condition(s) (PMID: 34010604, 34010605). In at least one individual the data is consistent with being in trans (on the opposite chromosome) from a pathogenic variant. ClinVar contains an entry for this variant (Variation ID: 1047915). Algorithms developed to predict the effect of sequence changes on RNA splicing suggest that this variant may disrupt the consensus splice site. For these reasons, this variant has been classified as Pathogenic.

GeneDx
Classification: Likely pathogenic. Last evaluated: 2022-03-18. Review status: criteria provided, single submitter. Criteria: GeneDx Variant Classification Process June 2021. Collection method: clinical testing. Allele origin: germline. Affected: yes.
Comment: Not observed at significant frequency in large population cohorts (gnomAD); Canonical splice site variant expected to result in aberrant splicing, although in the absence of functional evidence the actual effect of this sequence change is unknown.; This variant is associated with the following publications: (PMID: 34010605, 34010604)

Centre of Medical Genetics, University of Antwerp
Classification: Pathogenic for IPO8-related aortopathy. Last evaluated: 2021-03-18. Review status: criteria provided, single submitter. Criteria: ACMG Guidelines, 2015. Collection method: research. Allele origin: germline. Affected: yes.
Comment: PVS1, PM2, PM3

OMIM
Classification: Pathogenic for VISS SYNDROME. Last evaluated: 2021-08-12. Review status: no assertion criteria provided. Collection method: literature only. Allele origin: germline. Not counted in ClinVar's aggregate classification.

Biochemistry and Genetics Laboratory, University Hospital of Angers
Classification: Pathogenic for IPO8 related Connective tissue disorder. Last evaluated: 2021-04-22. Review status: no assertion criteria provided. Collection method: research. Allele origin: inherited. Affected: yes. Not counted in ClinVar's aggregate classification.

Literature cited by the submitters: PubMed 16199547 (cited by Labcorp Genetics (formerly Invitae), Labcorp); PubMed 33875846 (cited by Labcorp Genetics (formerly Invitae), Labcorp); PubMed 34010604 (cited by Labcorp Genetics (formerly Invitae), Labcorp and OMIM); PubMed 34010605 (cited by 3 submitters).

NM_006390.4(IPO8):c.2900-1G>A

Gene: IPO8 (importin 8; minus strand). Cytogenetic location: 12p11.21.
Variant type: single nucleotide variant.
Coding change: c.2900-1G>A on transcript NM_006390.4 (MANE Select); the canonical splice acceptor site of the intron before coding-DNA position 2900, G replaced by A.
Molecular consequence: splice acceptor variant.
Genome position (GRCh38, 1-based): chr12:30,632,012, C>T on the plus strand (G>A on the coding strand, the complement: IPO8 is on the minus strand). VCF-style: chr12-30632012-C-T. GRCh37 (hg19) VCF-style: chr12-30784946-C-T.
Other names: IVS23, G-A, -1; c.2285-1G>A (NM_001190995.2).
Identifiers: ClinVar variation 1047915 (VCV001047915.9), dbSNP rs1243135564, ClinGen allele CA384220763.